The following is an entry in ClinVar:

ClinVar aggregate classification (germline): Uncertain significance (1 of 4 stars; one submission).

gnomAD v4.1: 5 of 1,614,074 alleles (0.00031%); highest among the groups gnomAD compares: Non-Finnish European, 0.00042%; no homozygotes.

Submission:

Dasa
Classification: Uncertain significance. Last evaluated: 2025-10-07. Review status: criteria provided, single submitter. Criteria: DASA Assertion Criteria. Collection method: clinical testing. Allele origin: germline.
Comment: NM_133638.6(ADAMTS19):c.3124T>C (p.Cys1042Arg) is a missense variant that results in the substitution of cysteine with arginine. This variant is rare in population databases. Computational prediction algorithms are consistent with a deleterious effect. The currently available literature and clinical evidence are not sufficient to establish a definitive association between this variant and the reported condition. Therefore, this variant is classified as a variant of uncertain significance.

NM_133638.6(ADAMTS19):c.3124T>C (p.Cys1042Arg)

Gene: ADAMTS19 (ADAM metallopeptidase with thrombospondin type 1 motif 19; plus strand). Cytogenetic location: 5q23.3.
Variant type: single nucleotide variant.
Coding change: c.3124T>C on transcript NM_133638.6 (MANE Select); coding-DNA position 3124, T replaced by C.
Protein change: p.Cys1042Arg; replaces cysteine 1042 with arginine.
Molecular consequence: missense variant.
Genome position (GRCh38, 1-based): chr5:129,701,557, T>C. VCF-style: chr5-129701557-T-C. GRCh37 (hg19) VCF-style: chr5-129037250-T-C.
Other names: short protein forms C1042R.
Identifiers: ClinVar variation 4886734 (VCV004886734.2).